The following is an entry in ClinVar:

NM_198578.4(LRRK2):c.4599C>G (p.Ile1533Met)

Gene: LRRK2 (leucine rich repeat kinase 2; plus strand). Cytogenetic location: 12q12.
Variant type: single nucleotide variant.
Coding change: c.4599C>G on transcript NM_198578.4 (MANE Select); coding-DNA position 4599, C replaced by G.
Protein change: p.Ile1533Met; replaces isoleucine 1533 with methionine.
Molecular consequence: missense variant.
Genome position (GRCh38, 1-based): chr12:40,314,034, C>G. VCF-style: chr12-40314034-C-G. GRCh37 (hg19) VCF-style: chr12-40707836-C-G.
Other names: short protein forms I1533M.
Identifiers: ClinVar variation 1741742 (VCV001741742.3), dbSNP rs767288708, ClinGen allele CA384418870.

ClinVar aggregate classification (germline): Uncertain significance (1 of 4 stars; one submission).

Conditions:
Inborn genetic diseases. Identifiers: MedGen C0950123, MeSH D030342.

gnomAD v4.1: 3 of 1,612,268 alleles (0.00019%); highest among the groups gnomAD compares: African/African-American, 0.0013%; no homozygotes.

Submission:

Ambry Genetics
Classification: Uncertain significance for Inborn genetic diseases. Last evaluated: 2024-05-24. Review status: criteria provided, single submitter. Criteria: Ambry Variant Classification Scheme 2023. Collection method: clinical testing. Allele origin: germline.
Comment: The p.I1533M variant (also known as c.4599C>G), located in coding exon 32 of the LRRK2 gene, results from a C to G substitution at nucleotide position 4599. The isoleucine at codon 1533 is replaced by methionine, an amino acid with highly similar properties. This amino acid position is conserved. In addition, this alteration is predicted to be tolerated by in silico analysis. Since supporting evidence is limited at this time, the clinical significance of this alteration remains unclear.